The following is an entry in ClinVar:

NM_182961.4(SYNE1):c.6412A>G (p.Lys2138Glu)

Gene: SYNE1 (spectrin repeat containing nuclear envelope protein 1; minus strand). Cytogenetic location: 6q25.2.
Variant type: single nucleotide variant.
Coding change: c.6412A>G on transcript NM_182961.4 (MANE Select); coding-DNA position 6412, A replaced by G.
Protein change: p.Lys2138Glu; replaces lysine 2138 with glutamic acid.
Molecular consequence: missense variant.
Genome position (GRCh38, 1-based): chr6:152,409,196, T>C on the plus strand (A>G on the coding strand, the complement: SYNE1 is on the minus strand). VCF-style: chr6-152409196-T-C. GRCh37 (hg19) VCF-style: chr6-152730331-T-C.
Other names: c.6433A>G, p.Lys2145Glu (NM_033071.5); short protein forms K2138E, K2145E.
Identifiers: ClinVar variation 1030080 (VCV001030080.2), dbSNP rs2097962380, ClinGen allele CA366126066.
Genomic context (GRCh38, chr6:152,409,196, plus strand): 5'-TCTTCAGCTCAGATAACAAGTGTTTTCCTTTGCTGGTAAAGTTATCCAAGTCTTTCTGTT[T>C]GTAATTCATTTTGTTCTTGGCAGTTTCATGCTGTGGATAAATGATTTCTTAATTAATAAA-3'
Protein context (NP_892006.3, residues 2128-2148): HETAKNKMNY[Lys2138Glu]QKDLDNFTSK

ClinVar aggregate classification (germline): Uncertain significance. Review status: criteria provided, multiple submitters, no conflicts (2 of 4 stars). 2 submissions from 2 submitters: Uncertain significance (2). Last evaluated 2022-12-07.

Conditions:
Emery-Dreifuss muscular dystrophy 4, autosomal dominant (EDMD4). Also called: EMERY-DREIFUSS MUSCULAR DYSTROPHY 4 WITH VARIABLE FEATURES. Identifiers: Orphanet 261, MedGen C2751807, MONDO:0013071, OMIM 612998.

Allele frequency attached by ClinVar (database versions not stated): TOPMed below 0.00001.
gnomAD v4.1: 4 of 1,614,176 alleles (0.00025%); highest among the groups gnomAD compares: Non-Finnish European, 0.00034%; no homozygotes.

Submissions (2):

Blueprint Genetics
Classification: Uncertain significance. Last evaluated: 2022-12-07. Review status: criteria provided, single submitter. Criteria: ACMG Guidelines, 2015. Collection method: clinical testing. Allele origin: germline.

Baylor Genetics
Classification: Uncertain significance for Emery-Dreifuss muscular dystrophy 4, autosomal dominant. Last evaluated: 2019-02-21. Review status: criteria provided, single submitter. Criteria: ACMG Guidelines, 2015. Collection method: clinical testing. Allele origin: maternal. Affected: yes.
Comment: This variant was determined to be of uncertain significance according to ACMG Guidelines, 2015 [PMID:25741868].